The following is an entry in ClinVar:

NM_003907.3(EIF2B5):c.915G>T (p.Met305Ile)

Gene: EIF2B5 (eukaryotic translation initiation factor 2B subunit epsilon; plus strand). Cytogenetic location: 3q27.1.
Variant type: single nucleotide variant.
Coding change: c.915G>T on transcript NM_003907.3 (MANE Select); coding-DNA position 915, G replaced by T.
Protein change: p.Met305Ile; replaces methionine 305 with isoleucine.
Molecular consequence: missense variant.
Genome position (GRCh38, 1-based): chr3:184,140,489, G>T. VCF-style: chr3-184140489-G-T. GRCh37 (hg19) VCF-style: chr3-183858277-G-T.
Other names: short protein forms M305I.
Identifiers: ClinVar variation 1525548 (VCV001525548.6), dbSNP rs1431803321, ClinGen allele CA355385020.

ClinVar aggregate classification (germline): Likely pathogenic (1 of 4 stars; one submission).

Allele frequency attached by ClinVar (database versions not stated): gnomAD exomes below 0.00001.

Submission:

Labcorp Genetics (formerly Invitae), Labcorp
Classification: Likely pathogenic. Last evaluated: 2021-09-14. Review status: criteria provided, single submitter. Criteria: Invitae Variant Classification Sherloc (09022015). Collection method: clinical testing. Allele origin: germline.
Comment: This sequence change replaces methionine with isoleucine at codon 305 of the EIF2B5 protein (p.Met305Ile). The methionine residue is moderately conserved and there is a small physicochemical difference between methionine and isoleucine. In summary, the currently available evidence indicates that the variant is pathogenic, but additional data are needed to prove that conclusively. Therefore, this variant has been classified as Likely Pathogenic. This variant disrupts the p.Met305 amino acid residue in EIF2B5. Other variant(s) that disrupt this residue have been determined to be pathogenic (PMID: 27651498, 28334938). This suggests that this residue is clinically significant, and that variants that disrupt this residue are likely to be disease-causing. Advanced modeling of protein sequence and biophysical properties (such as structural, functional, and spatial information, amino acid conservation, physicochemical variation, residue mobility, and thermodynamic stability) performed at Invitae indicates that this missense variant is expected to disrupt EIF2B5 protein function. This variant has not been reported in the literature in individuals affected with EIF2B5-related conditions. This variant is not present in population databases (ExAC no frequency).

Literature cited by the submitters: PubMed 27651498; PubMed 28334938.